The following is an entry in ClinVar:

NM_000395.3(CSF2RB):c.2389G>C (p.Gly797Arg)

Gene: CSF2RB (colony stimulating factor 2 receptor subunit beta; plus strand). Cytogenetic location: 22q12.3.
Variant type: single nucleotide variant.
Coding change: c.2389G>C on transcript NM_000395.3 (MANE Select); coding-DNA position 2389, G replaced by C.
Protein change: p.Gly797Arg; replaces glycine 797 with arginine.
Molecular consequence: missense variant.
Genome position (GRCh38, 1-based): chr22:36,938,197, G>C. VCF-style: chr22-36938197-G-C. GRCh37 (hg19) VCF-style: chr22-37334239-G-C.
Other names: c.2407G>C, p.Gly803Arg (NM_001410827.1); short protein forms G797R, G803R.
Identifiers: ClinVar variation 2820771 (VCV002820771.3), dbSNP rs2518011365, ClinGen allele CA411411402.

ClinVar aggregate classification (germline): Uncertain significance (1 of 4 stars; one submission).

Submission:

Labcorp Genetics (formerly Invitae), Labcorp
Classification: Uncertain significance. Last evaluated: 2023-08-24. Review status: criteria provided, single submitter. Criteria: Invitae Variant Classification Sherloc (09022015). Collection method: clinical testing. Allele origin: germline.
Comment: This variant is not present in population databases (gnomAD no frequency). This sequence change replaces glycine, which is neutral and non-polar, with arginine, which is basic and polar, at codon 797 of the CSF2RB protein (p.Gly797Arg). This variant has not been reported in the literature in individuals affected with CSF2RB-related conditions. In summary, the available evidence is currently insufficient to determine the role of this variant in disease. Therefore, it has been classified as a Variant of Uncertain Significance. Advanced modeling of protein sequence and biophysical properties (such as structural, functional, and spatial information, amino acid conservation, physicochemical variation, residue mobility, and thermodynamic stability) performed at Invitae indicates that this missense variant is not expected to disrupt CSF2RB protein function.